The following is an entry in ClinVar:

NM_000489.6(ATRX):c.6196G>A (p.Asp2066Asn)

Gene: ATRX (ATRX chromatin remodeler; minus strand). Cytogenetic location: Xq21.1.
Variant type: single nucleotide variant.
Coding change: c.6196G>A on transcript NM_000489.6 (MANE Select); coding-DNA position 6196, G replaced by A.
Protein change: p.Asp2066Asn; replaces aspartic acid 2066 with asparagine.
Molecular consequence: missense variant.
Genome position (GRCh38, 1-based): chrX:77,589,855, C>T on the plus strand (G>A on the coding strand, the complement: ATRX is on the minus strand). VCF-style: chrX-77589855-C-T. GRCh37 (hg19) VCF-style: chrX-76845325-C-T.
Other names: c.6082G>A, p.Asp2028Asn (NM_138270.5); short protein forms D2028N, D2066N.
Identifiers: ClinVar variation 3340303 (VCV003340303.1).

ClinVar aggregate classification (germline): Uncertain significance (1 of 4 stars; one submission).

Submission:

GeneDx
Classification: Uncertain significance. Last evaluated: 2024-03-11. Review status: criteria provided, single submitter. Criteria: GeneDx Variant Classification Process June 2021. Collection method: clinical testing. Allele origin: germline. Affected: yes.
Comment: Not observed at significant frequency in large population cohorts (gnomAD); In silico analysis supports that this missense variant does not alter protein structure/function; Has not been previously published as pathogenic or benign to our knowledge